The following is an entry in ClinVar:

ClinVar aggregate classification (germline): Uncertain significance (1 of 4 stars; one submission).

Conditions:
Leukodystrophy, hypomyelinating, 13. Identifiers: MedGen C4225170, MONDO:0014813, OMIM 616881.

Allele frequency attached by ClinVar (database versions not stated): gnomAD 0.00001; TOPMed 0.00001; gnomAD exomes 0.00004 and 0.00009; ExAC 0.00012; 1000 Genomes Project 30x 0.00016; 1000 Genomes Project 0.00020.
gnomAD v4.1: 23 of 1,613,918 alleles (0.0014%); highest among the groups gnomAD compares: Admixed American, 0.038%; no homozygotes.

Submission:

Baylor Genetics
Classification: Uncertain significance for Leukodystrophy, hypomyelinating, 13. Last evaluated: 2019-01-10. Review status: criteria provided, single submitter. Criteria: ACMG Guidelines, 2015. Collection method: clinical testing. Allele origin: unknown. Affected: yes.
Comment: This variant was determined to be of uncertain significance according to ACMG Guidelines, 2015 [PMID:25741868].

NM_016401.4(HIKESHI):c.325G>C (p.Ala109Pro)

Gene: HIKESHI (heat shock protein nuclear import factor hikeshi; plus strand). Cytogenetic location: 11q14.2.
Variant type: single nucleotide variant.
Coding change: c.325G>C on transcript NM_016401.4 (MANE Select); coding-DNA position 325, G replaced by C.
Protein change: p.Ala109Pro; replaces alanine 109 with proline.
Molecular consequence: missense variant. On other transcripts: non-coding transcript variant (3).
Genome position (GRCh38, 1-based): chr11:86,337,435, G>C. VCF-style: chr11-86337435-G-C. GRCh37 (hg19) VCF-style: chr11-86048477-G-C.
Other names: c.325G>C, p.Ala109Pro (NM_001322404.2); c.208G>C, p.Ala70Pro (NM_001322407.2, NM_001322409.2); short protein forms A70P, A109P.
Identifiers: ClinVar variation 1029600 (VCV001029600.1), dbSNP rs201042989, ClinGen allele CA6216722.
Genomic context (GRCh38, chr11:86,337,435, plus strand): 5'-GCAGGAGAAGGAAGCCAACATCCTTTTGGAGCCATGAATATTGTCCGAACTCCATCTGTT[G>C]CTCAGATTGGAATTTCAGTGGAATTATTAGACAGTATGGCTCAGCAGACTCCTGTAGGTA-3'
Protein context (NP_057485.2, residues 99-119): AMNIVRTPSV[Ala109Pro]QIGISVELLD